The following is an entry in ClinVar:

NM_000540.3(RYR1):c.14304-13C>T

Gene: RYR1 (ryanodine receptor 1; plus strand). Cytogenetic location: 19q13.2.
Variant type: single nucleotide variant.
Coding change: c.14304-13C>T on transcript NM_000540.3 (MANE Select); 13 bases into the intron before coding-DNA position 14304, C replaced by T.
Molecular consequence: intron variant.
Genome position (GRCh38, 1-based): chr19:38,578,131, C>T. VCF-style: chr19-38578131-C-T. GRCh37 (hg19) VCF-style: chr19-39068771-C-T.
Other names: c.14289-13C>T (NM_001042723.2).
Identifiers: ClinVar variation 3021747 (VCV003021747.5), dbSNP rs1363691117, ClinGen allele CA882064295.

ClinVar aggregate classification (germline): Likely benign. Review status: criteria provided, multiple submitters, no conflicts (2 of 4 stars). 3 submissions from 3 submitters: Likely benign (3). Last evaluated 2024-01-28.

Conditions:
Malignant hyperthermia, susceptibility to, 1 (MHS1). Also called: Anesthesia related hyperthermia; Malignant hyperpyrexia; Fulminating hyperpyrexia; Pharmacogenic myopathy; RYR1-Related Malignant Hyperthermia Susceptibility; Malignant hyperthermia suceptibility 1. Identifiers: Orphanet 423, MedGen C2930980, MONDO:0007783, OMIM 145600.
RYR1-related disorder. Also called: RYR1-related disorders; RYR1-related condition. Identifiers: MedGen CN239331.

Allele frequency attached by ClinVar (database versions not stated): gnomAD exomes below 0.00001; gnomAD 0.00001; TOPMed 0.00001.
gnomAD v4.1: 6 of 1,613,128 alleles (0.00037%); highest among the groups gnomAD compares: Non-Finnish European, 0.00042%; no homozygotes.

Submissions (3):

Labcorp Genetics (formerly Invitae), Labcorp
Classification: Likely benign for RYR1-related disorder. Last evaluated: 2024-01-28. Review status: criteria provided, single submitter. Criteria: Invitae Variant Classification Sherloc (09022015). Collection method: clinical testing. Allele origin: germline.

All of Us Research Program, National Institutes of Health
Classification: Likely benign for Malignant hyperthermia, susceptibility to, 1. Last evaluated: 2023-06-08. Review status: criteria provided, single submitter. Criteria: ACMG Guidelines, 2015. Collection method: clinical testing. Allele origin: germline. Inheritance: Autosomal dominant inheritance. Observed: 1 variant allele, 1 heterozygote.
Comment: This study involves interpretation of variants in research participants for the purpose of population health screening. Participant phenotype was not available at the time of variant classification. Additional details can be found in publication PMID: 35346344, PMCID: PMC8962531

Color Diagnostics, LLC DBA Color Health
Classification: Likely benign for Malignant hyperthermia, susceptibility to, 1. Last evaluated: 2023-05-26. Review status: criteria provided, single submitter. Criteria: ACMG Guidelines, 2015. Collection method: clinical testing. Allele origin: germline.